The following is an entry in ClinVar:

ClinVar aggregate classification (germline): Pathogenic. Review status: criteria provided, multiple submitters, no conflicts (2 of 4 stars). 5 submissions from 5 submitters: Pathogenic (5). Last evaluated 2024-11-21.

Conditions:
Cardiovascular phenotype. Identifiers: MedGen CN230736.
Cardiomyopathy (CMYO). Also called: Cardiomyopathies. Identifiers: Orphanet 167848, MedGen C0878544, MONDO:0004994, HP:0001638. Inheritance: Various modes of inheritance.
Hypertrophic cardiomyopathy. Also called: HYPERTROPHIC MYOCARDIOPATHY. Identifiers: Orphanet 217569, MedGen C0007194, MeSH D002312, MONDO:0005045, HP:0001639.

Submissions (5):

GeneDx
Classification: Pathogenic. Last evaluated: 2024-11-21. Review status: criteria provided, single submitter. Criteria: GeneDx Variant Classification Process June 2021. Collection method: clinical testing. Allele origin: germline. Affected: yes.
Comment: Identified in a patients with HCM referred for genetic testing at GeneDx and in published literature (PMID: 31513939, 34542152); Not observed at significant frequency in large population cohorts (gnomAD); Frameshift variant predicted to result in protein truncation or nonsense mediated decay in a gene for which loss-of-function is a known mechanism of disease; This variant is associated with the following publications: (PMID: 34542152, 31513939)

Ambry Genetics
Classification: Pathogenic for Cardiovascular phenotype. Last evaluated: 2024-08-27. Review status: criteria provided, single submitter. Criteria: Ambry Variant Classification Scheme 2023. Collection method: clinical testing. Allele origin: germline.
Comment: The c.3321dupG pathogenic mutation, located in coding exon 30 of the MYBPC3 gene, results from a duplication of G at nucleotide position 3321, causing a translational frameshift with a predicted alternate stop codon (p.K1108Efs*41). This variant is considered to be rare based on population cohorts in the Genome Aggregation Database (gnomAD). This alteration is expected to result in loss of function by premature protein truncation or nonsense-mediated mRNA decay. As such, this alteration is interpreted as a disease-causing mutation.

Labcorp Genetics (formerly Invitae), Labcorp
Classification: Pathogenic for Hypertrophic cardiomyopathy. Last evaluated: 2024-08-01. Review status: criteria provided, single submitter. Criteria: Invitae Variant Classification Sherloc (09022015). Collection method: clinical testing. Allele origin: germline.
Comment: This sequence change creates a premature translational stop signal (p.Lys1108Glufs*41) in the MYBPC3 gene. It is expected to result in an absent or disrupted protein product. Loss-of-function variants in MYBPC3 are known to be pathogenic (PMID: 19574547). This variant is not present in population databases (gnomAD no frequency). This premature translational stop signal has been observed in individual(s) with hypertrophic cardiomyopathy (PMID: 31513939). ClinVar contains an entry for this variant (Variation ID: 181100). For these reasons, this variant has been classified as Pathogenic.

Color Diagnostics, LLC DBA Color Health
Classification: Pathogenic for Cardiomyopathy. Last evaluated: 2021-09-20. Review status: criteria provided, single submitter. Criteria: ACMG Guidelines, 2015. Collection method: clinical testing. Allele origin: germline.
Comment: This variant inserts 1 nucleotide in exon 30 of the MYBPC3 gene, creating a frameshift and premature translation stop signal. This variant is expected to result in an absent or non-functional protein product. To our knowledge, this variant has not been reported in individuals affected with cardiovascular disorders in the literature. This variant has not been identified in the general population by the Genome Aggregation Database (gnomAD). Loss of MYBPC3 function is a known mechanism of disease. Based on the available evidence, this variant is classified as Pathogenic.

Center for Human Genetics, University of Leuven
Classification: Pathogenic for Hypertrophic cardiomyopathy. Last evaluated: 2018-10-31. Review status: criteria provided, single submitter. Criteria: ACMG Guidelines, 2015. Collection method: clinical testing. Allele origin: germline. Affected: yes.

Literature cited by the submitters: PubMed 19574547 (cited by Labcorp Genetics (formerly Invitae), Labcorp); PubMed 31513939 (cited by Labcorp Genetics (formerly Invitae), Labcorp).

NC_000011.10:g.47333203dup

Gene: MYBPC3 (myosin binding protein C3; minus strand). Cytogenetic location: 11p11.2.
Variant type: Duplication.
Molecular consequence: frameshift variant (on NM_000256.3).
Genome position: GRCh38 VCF-style: chr11-47333202-T-TC. GRCh37 (hg19) VCF-style: chr11-47354753-T-TC.
Other names: c.3321dup, p.Lys1108fs (LRG_386t1); c.3321dupG (NM_000256.3).
Identifiers: ClinVar variation 181100 (VCV000181100.18), dbSNP rs730880672, ClinGen allele CA296434.